The following is an entry in ClinVar:

NM_025137.4(SPG11):c.5269C>T (p.His1757Tyr)

Genes: SPG11 (SPG11 vesicle trafficking associated, spatacsin; minus strand), LOC130056971 (ATAC-STARR-seq lymphoblastoid silent region 6398; plus strand). Cytogenetic location: 15q21.1.
Variant type: single nucleotide variant.
Coding change: c.5269C>T on transcript NM_025137.4 (MANE Select); coding-DNA position 5269, C replaced by T.
Protein change: p.His1757Tyr; replaces histidine 1757 with tyrosine.
Molecular consequence: missense variant.
Genome position (GRCh38, 1-based): chr15:44,584,411, G>A on the plus strand (C>T on the coding strand, the complement: SPG11 is on the minus strand). VCF-style: chr15-44584411-G-A. GRCh37 (hg19) VCF-style: chr15-44876609-G-A.
Other names: c.5269C>T, p.His1757Tyr (NM_001160227.2); short protein forms H1757Y.
Identifiers: ClinVar variation 406511 (VCV000406511.7), dbSNP rs1060501170, ClinGen allele CA16614609.

ClinVar aggregate classification (germline): Uncertain significance (1 of 4 stars; one submission).

Conditions:
Hereditary spastic paraplegia 11. Also called: Spastic Paraplegia 11; Spastic paraplegia, mental retardation and thin corpus callosum; Nakamura Osame syndrome; Autosomal recessive hereditary spastic paraplegia, mental impairment, and thin corpus callosum; SPASTIC PARAPLEGIA, AUTOSOMAL RECESSIVE, COMPLICATED, WITH THIN CORPUS CALLOSUM; SPASTIC PARAPLEGIA, AUTOSOMAL RECESSIVE, WITH MENTAL IMPAIRMENT AND THIN CORPUS CALLOSUM. Identifiers: Orphanet 2822, MedGen C1858479, MONDO:0011445, OMIM 604360.

Allele frequency attached by ClinVar (database versions not stated): TOPMed below 0.00001; gnomAD 0.00001; gnomAD exomes 0.00001.
gnomAD v4.1: 4 of 1,614,024 alleles (0.00025%); highest among the groups gnomAD compares: Non-Finnish European, 0.00034%; no homozygotes.

Submission:

Labcorp Genetics (formerly Invitae), Labcorp
Classification: Uncertain significance for Hereditary spastic paraplegia 11. Last evaluated: 2017-10-26. Review status: criteria provided, single submitter. Criteria: Invitae Variant Classification Sherloc (09022015). Collection method: clinical testing. Allele origin: germline.
Comment: This sequence change replaces histidine with tyrosine at codon 1757 of the SPG11 protein (p.His1757Tyr). The histidine residue is weakly conserved and there is a moderate physicochemical difference between histidine and tyrosine. This variant is not present in population databases (ExAC no frequency). This variant has not been reported in the literature in individuals with SPG11-related disease. ClinVar contains an entry for this variant (Variation ID: 406511). Algorithms developed to predict the effect of missense changes on protein structure and function (SIFT, PolyPhen-2, Align-GVGD) all suggest that this variant is likely to be tolerated, but these predictions have not been confirmed by published functional studies and their clinical significance is uncertain. In summary, the available evidence is currently insufficient to determine the role of this variant in disease. Therefore, it has been classified as a Variant of Uncertain Significance.